The following is an entry in ClinVar:

ClinVar aggregate classification (germline): Likely benign. Review status: criteria provided, multiple submitters, no conflicts (2 of 4 stars). 5 submissions from 5 submitters: Likely benign (4). 1 of the submissions does not count toward it. Last evaluated 2026-07-01.

Conditions:
TUBGCP6-related disorder. Also called: TUBGCP6-related condition.
Inborn genetic diseases. Identifiers: MedGen C0950123, MeSH D030342.

Allele frequency attached by ClinVar (database versions not stated): gnomAD exomes 0.00002 and 0.00008; ExAC 0.00009; gnomAD 0.00013 and 0.00015; TOPMed 0.00017; ESP Exome Variant Server 0.00023.
gnomAD v4.1: 59 of 1,614,032 alleles (0.0037%); highest among the groups gnomAD compares: African/African-American, 0.044%; 1 homozygote.

Submissions (5):

CeGaT Center for Human Genetics Tuebingen
Classification: Likely benign. Last evaluated: 2026-07-01. Review status: criteria provided, single submitter. Criteria: CeGaT Center For Human Genetics Tuebingen Variant Classification Criteria Version 2. Collection method: clinical testing. Allele origin: germline. Affected: yes. Observed: 2 variant alleles.
Comment: TUBGCP6: BP4, BP7

Labcorp Genetics (formerly Invitae), Labcorp
Classification: Likely benign. Last evaluated: 2026-01-11. Review status: criteria provided, single submitter. Criteria: Invitae Variant Classification Sherloc (09022015). Collection method: clinical testing. Allele origin: germline.

Ambry Genetics
Classification: Likely benign for Inborn genetic diseases. Last evaluated: 2024-06-18. Review status: criteria provided, single submitter. Criteria: Ambry Variant Classification Scheme 2023. Collection method: clinical testing. Allele origin: germline.

Blueprint Genetics
Classification: Likely benign. Last evaluated: 2023-06-22. Review status: criteria provided, single submitter. Criteria: ACMG Guidelines, 2015. Collection method: clinical testing. Allele origin: germline.

PreventionGenetics, part of Exact Sciences
Classification: Likely benign for TUBGCP6-related condition. Last evaluated: 2019-03-13. Review status: no assertion criteria provided. Collection method: clinical testing. Allele origin: germline. Not counted in ClinVar's aggregate classification.
Comment: This variant is classified as likely benign based on ACMG/AMP sequence variant interpretation guidelines (Richards et al. 2015 PMID: 25741868, with internal and published modifications).

NM_020461.4(TUBGCP6):c.1065C>T (p.Asp355=)

Gene: TUBGCP6 (tubulin gamma complex component 6; minus strand). Cytogenetic location: 22q13.33.
Variant type: single nucleotide variant.
Coding change: c.1065C>T on transcript NM_020461.4 (MANE Select); coding-DNA position 1065, C replaced by T.
Protein change: p.Asp355=; no amino-acid change (aspartic acid 355 retained).
Molecular consequence: synonymous variant.
Genome position (GRCh38, 1-based): chr22:50,233,367, G>A on the plus strand (C>T on the coding strand, the complement: TUBGCP6 is on the minus strand). VCF-style: chr22-50233367-G-A. GRCh37 (hg19) VCF-style: chr22-50671796-G-A.
Identifiers: ClinVar variation 782728 (VCV000782728.19), dbSNP rs373832505, ClinGen allele CA10308845.